The following is an entry in ClinVar:

NM_000256.3(MYBPC3):c.1003C>T (p.Arg335Cys)

Gene: MYBPC3 (myosin binding protein C3; minus strand). Cytogenetic location: 11p11.2.
Variant type: single nucleotide variant.
Coding change: c.1003C>T on transcript NM_000256.3 (MANE Select); coding-DNA position 1003, C replaced by T.
Protein change: p.Arg335Cys; replaces arginine 335 with cysteine.
Molecular consequence: missense variant.
Genome position (GRCh38, 1-based): chr11:47,346,294, G>A on the plus strand (C>T on the coding strand, the complement: MYBPC3 is on the minus strand). VCF-style: chr11-47346294-G-A. GRCh37 (hg19) VCF-style: chr11-47367845-G-A.
Other names: p.R335C:CGC>TGC; c.1003C>T, p.Arg335Cys (LRG_386t1); short protein forms R335C.
Identifiers: ClinVar variation 181055 (VCV000181055.27), dbSNP rs730880630, ClinGen allele CA009677.

ClinVar aggregate classification (germline): Conflicting classifications of pathogenicity. Review status: criteria provided, conflicting classifications (1 of 4 stars). 8 submissions from 7 submitters: Uncertain significance (7); Likely benign (1). Last evaluated 2025-10-29.

Conditions:
Cardiovascular phenotype. Identifiers: MedGen CN230736.
Left ventricular noncompaction 10 (LVNC10). Identifiers: Orphanet 154, Orphanet 54260, MedGen C3715165, MONDO:0014163, OMIM 615396.
Cardiomyopathy (CMYO). Also called: Cardiomyopathies. Identifiers: Orphanet 167848, MedGen C0878544, MONDO:0004994, HP:0001638. Inheritance: Various modes of inheritance.
Hypertrophic cardiomyopathy 4. Also called: Familial hypertrophic cardiomyopathy 4. Identifiers: MedGen C1861862, MONDO:0007268, OMIM 115197.
Hypertrophic cardiomyopathy. Also called: HYPERTROPHIC MYOCARDIOPATHY. Identifiers: Orphanet 217569, MedGen C0007194, MeSH D002312, MONDO:0005045, HP:0001639.

Allele frequency attached by ClinVar (database versions not stated): gnomAD 0.00001; ExAC 0.00002.
gnomAD v4.1: 24 of 1,613,342 alleles (0.0015%); highest among the groups gnomAD compares: East Asian, 0.0022%; no homozygotes.

Submissions (8):

Labcorp Genetics (formerly Invitae), Labcorp
Classification: Uncertain significance for Hypertrophic cardiomyopathy. Last evaluated: 2025-10-29. Review status: criteria provided, single submitter. Criteria: Invitae Variant Classification Sherloc (09022015). Collection method: clinical testing. Allele origin: germline.
Comment: This sequence change replaces arginine, which is basic and polar, with cysteine, which is neutral and slightly polar, at codon 335 of the MYBPC3 protein (p.Arg335Cys). This variant is present in population databases (rs730880630, gnomAD 0.01%). This missense change has been observed in individual(s) with hypertrophic cardiomyopathy or sudden unexplained death (PMID: 27332903, 27600940, 28356264). ClinVar contains an entry for this variant (Variation ID: 181055). An algorithm developed to predict the effect of missense changes on protein structure and function (PolyPhen-2) suggests that this variant is likely to be disruptive. In summary, the available evidence is currently insufficient to determine the role of this variant in disease. Therefore, it has been classified as a Variant of Uncertain Significance.

Ambry Genetics
Classification: Uncertain significance for Cardiovascular phenotype. Last evaluated: 2024-11-18. Review status: criteria provided, single submitter. Criteria: Ambry Variant Classification Scheme 2023. Collection method: clinical testing. Allele origin: germline.
Comment: The p.R335C variant (also known as c.1003C>T), located in coding exon 12 of the MYBPC3 gene, results from a C to T substitution at nucleotide position 1003. The arginine at codon 335 is replaced by cysteine, an amino acid with highly dissimilar properties. This variant has been reported in individual(s) in hypertrophic cardiomyopathy (HCM) cohorts and a sudden unexplained death cohort, but clinical details were limited (Bagnall RD et al. N Engl J Med, 2016 Jun;374:2441-52; Cecconi M et al. Int J Mol Med, 2016 Oct;38:1111-24; G&oacute;mez J et al. Circ Cardiovasc Genet, 2017 Apr;10:[ePub ahead of print]). This amino acid position is not well conserved in available vertebrate species. In addition, this alteration is predicted to be tolerated by in silico analysis. Based on the available evidence, the clinical significance of this variant remains unclear.

All of Us Research Program, National Institutes of Health
Classification: Uncertain significance for Hypertrophic cardiomyopathy. Last evaluated: 2024-06-11. Review status: criteria provided, single submitter. Criteria: ACMG Guidelines, 2015. Collection method: clinical testing. Allele origin: germline. Inheritance: Autosomal dominant inheritance. Observed: 7 variant alleles, 7 heterozygotes.
Comment: This missense variant replaces arginine with cysteine at codon 335 of the MYBPC3 protein. Computational prediction suggests that this variant may not impact protein structure and function (internally defined REVEL score threshold <= 0.5, PMID: 27666373). To our knowledge, functional studies have not been reported for this variant. This variant has been reported in two individuals affected with hypertrophic cardiomyopathy (PMID: 27600940, 28356264) and one individual with unexplained sudden cardiac death (PMID: 27332903). This variant has been identified in 7/247608 chromosomes in the general population by the Genome Aggregation Database (gnomAD). The available evidence is insufficient to determine the role of this variant in disease conclusively. Therefore, this variant is classified as a Variant of Uncertain Significance.

This study involves interpretation of variants in research participants for the purpose of population health screening. Participant phenotype was not available at the time of variant classification. Additional details can be found in publication PMID: 35346344, PMCID: PMC8962531

Color Diagnostics, LLC DBA Color Health
Classification: Uncertain significance for Cardiomyopathy. Last evaluated: 2023-11-27. Review status: criteria provided, single submitter. Criteria: ACMG Guidelines, 2015. Collection method: clinical testing. Allele origin: germline.
Comment: This missense variant replaces arginine with cysteine at codon 335 of the MYBPC3 protein. Computational prediction tool indicates that this variant may have a neutral impact on protein structure and function. To our knowledge, functional studies have not been reported for this variant.This variant has been reported in two individuals affected with hypertrophic cardiomyopathy (PMID: 27600940, 28356264) and one individual with unexplained sudden cardiac death (PMID: 27332903). This variant has been identified in 7/247608 chromosomes in the general population by the Genome Aggregation Database (gnomAD). The available evidence is insufficient to determine the role of this variant in disease conclusively. Therefore, this variant is classified as a Variant of Uncertain Significance.

GeneDx
Classification: Uncertain significance. Last evaluated: 2022-12-02. Review status: criteria provided, single submitter. Criteria: GeneDx Variant Classification Process June 2021. Collection method: clinical testing. Allele origin: germline. Affected: yes.
Comment: Reported in association with HCM, although no clinical information or segregation data was provided (Cecconi et al., 2016); In silico analysis supports that this missense variant has a deleterious effect on protein structure/function; This variant is associated with the following publications: (PMID: 27332903, 27600940)

Blueprint Genetics
Classification: Uncertain significance. Last evaluated: 2022-11-11. Review status: criteria provided, single submitter. Criteria: ACMG Guidelines, 2015. Collection method: clinical testing. Allele origin: germline.

Illumina Laboratory Services, Illumina
Classification: Likely benign for Left ventricular noncompaction 10. Last evaluated: 2018-01-13. Review status: criteria provided, single submitter. Criteria: ICSL Variant Classification Criteria 13 December 2019. Collection method: clinical testing. Allele origin: germline.
Comment: This variant was observed in the ICSL laboratory as part of a predisposition screen in an ostensibly healthy population. It had not been previously curated by ICSL or reported in the Human Gene Mutation Database (HGMD: prior to June 1st, 2018), and was therefore a candidate for classification through an automated scoring system. Utilizing variant allele frequency, disease prevalence and penetrance estimates, and inheritance mode, an automated score was calculated to assess if this variant is too frequent to cause the disease. Based on the score and internal cut-off values, a variant classified as likely benign is not then subjected to further curation. The score for this variant resulted in a classification of likely benign for this disease.

Illumina Laboratory Services, Illumina
Classification: Uncertain significance for Hypertrophic cardiomyopathy 4. Last evaluated: 2018-01-13. Review status: criteria provided, single submitter. Criteria: ICSL Variant Classification Criteria 13 December 2019. Collection method: clinical testing. Allele origin: germline.

Literature cited by the submitters: PubMed 27332903 (cited by 4 submitters); PubMed 27600940 (cited by 4 submitters); PubMed 28356264 (cited by 4 submitters).